The following is an entry in ClinVar:

NC_000015.9:g.(?_48784638)_(48818472_?)del

Gene: FBN1 (fibrillin 1; minus strand). Cytogenetic location: 15q21.1.
Variant type: Deletion.
Identifiers: ClinVar variation 3243731 (VCV003243731.1).

ClinVar aggregate classification (germline): Pathogenic (1 of 4 stars; one submission).

Conditions:
Marfan syndrome (MFS). Also called: MARFAN SYNDROME, TYPE I; Marfan syndrome type 1; Marfan's syndrome; Marfan syndrome, classic; FBN1-Related Marfan Syndrome. Identifiers: Orphanet 284963, Orphanet 558, MedGen C0024796, MONDO:0007947, OMIM 154700.
Familial thoracic aortic aneurysm and aortic dissection (TAAD). Also called: Thoracic aortic aneurysms and dissections. Identifiers: Orphanet 91387, MedGen C4707243, MONDO:0019625.

Submission:

Labcorp Genetics (formerly Invitae), Labcorp
Classification: Pathogenic for Marfan syndrome; Familial thoracic aortic aneurysm and aortic dissection. Last evaluated: 2022-12-02. Review status: criteria provided, single submitter. Criteria: Invitae Variant Classification Sherloc (09022015). Collection method: clinical testing. Allele origin: unknown.
Comment: For these reasons, this variant has been classified as Pathogenic. This variant disrupts a region of the FBN1 protein in which other variant(s) (p.Asp952Asn) have been determined to be pathogenic (PMID: 31098894). This suggests that this is a clinically significant region of the protein, and that variants that disrupt it are likely to be disease-causing. This variant has not been reported in the literature in individuals affected with FBN1-related conditions. This variant is a gross deletion of the genomic region encompassing exon(s) 9-24 of the FBN1 gene. This variant would be expected to be in-frame, preserving the integrity of the reading frame.

Literature cited by the submitters: PubMed 31098894.